The following is an entry in ClinVar:

ClinVar aggregate classification (germline): Uncertain significance (1 of 4 stars; one submission).

Conditions:
Cardiomyopathy (CMYO). Also called: Cardiomyopathies. Identifiers: Orphanet 167848, MedGen C0878544, MONDO:0004994, HP:0001638. Inheritance: Various modes of inheritance.

Submission:

Color Diagnostics, LLC DBA Color Health
Classification: Uncertain significance for Cardiomyopathy. Last evaluated: 2024-03-06. Review status: criteria provided, single submitter. Criteria: ACMG Guidelines, 2015. Collection method: clinical testing. Allele origin: germline.
Comment: This missense variant replaces histidine with arginine at codon 2486 of the RYR2 protein. Computational prediction is inconclusive regarding the impact of this variant on protein structure and function (internally defined REVEL score threshold 0.5 < inconclusive < 0.7, PMID: 27666373). Splice site prediction tools suggest that this variant may not impact RNA splicing. To our knowledge, functional studies have not been performed for this variant. This variant has not been reported in individuals affected with cardiovascular disorders in the literature. This variant has not been identified in the general population by the Genome Aggregation Database (gnomAD). The available evidence is insufficient to determine the role of this variant in disease conclusively. Therefore, this variant is classified as a Variant of Uncertain Significance.

NM_001035.3(RYR2):c.7457A>G (p.His2486Arg)

Gene: RYR2 (ryanodine receptor 2; plus strand). Cytogenetic location: 1q43.
Variant type: single nucleotide variant.
Coding change: c.7457A>G on transcript NM_001035.3 (MANE Select); coding-DNA position 7457, A replaced by G.
Protein change: p.His2486Arg; replaces histidine 2486 with arginine.
Molecular consequence: missense variant.
Genome position (GRCh38, 1-based): chr1:237,648,558, A>G. VCF-style: chr1-237648558-A-G. GRCh37 (hg19) VCF-style: chr1-237811858-A-G.
Other names: short protein forms H2486R.
Identifiers: ClinVar variation 918898 (VCV000918898.4), dbSNP rs1682404011, ClinGen allele CA345398507.